The following is an entry in ClinVar:

ClinVar aggregate classification (germline): Benign/Likely benign. Review status: criteria provided, multiple submitters, no conflicts (2 of 4 stars). 3 submissions from 3 submitters: Benign (1); Likely benign (2). Last evaluated 2025-07-22.

Conditions:
Hereditary cancer-predisposing syndrome. Also called: Hereditary Cancer Syndrome; Hereditary neoplastic syndrome; Neoplastic Syndromes, Hereditary; Tumor predisposition. Identifiers: Orphanet 140162, MedGen C0027672, MeSH D009386, MONDO:0015356.
Peutz-Jeghers syndrome (PJS). Also called: Peutz-Jeghers polyposis; Periorificial lentiginosis syndrome; POLYPOSIS, HAMARTOMATOUS INTESTINAL; POLYPS-AND-SPOTS SYNDROME. Identifiers: Orphanet 2869, MedGen C0031269, MeSH D010580, MONDO:0008280, OMIM 175200.

Allele frequency attached by ClinVar (database versions not stated): gnomAD exomes below 0.00001; ExAC 0.00002.
gnomAD v4.1: 1 of 1,596,672 alleles (0.000063%); highest among the groups gnomAD compares: African/African-American, 0.0013%; no homozygotes.

Submissions (3):

Labcorp Genetics (formerly Invitae), Labcorp
Classification: Likely benign for Peutz-Jeghers syndrome. Last evaluated: 2025-07-22. Review status: criteria provided, single submitter. Criteria: Invitae Variant Classification Sherloc (09022015). Collection method: clinical testing. Allele origin: germline.

Myriad Genetics, Inc.
Classification: Benign for Peutz-Jeghers syndrome. Last evaluated: 2025-03-31. Review status: criteria provided, single submitter. Criteria: Myriad Autosomal Dominant, Autosomal Recessive and X-Linked Classification Criteria (2023). Collection method: clinical testing. Allele origin: unknown.
Comment: This variant is considered benign. This variant is a silent/synonymous amino acid change and it is not expected to impact splicing.

Ambry Genetics
Classification: Likely benign for Hereditary cancer-predisposing syndrome. Last evaluated: 2024-03-11. Review status: criteria provided, single submitter. Criteria: Ambry Variant Classification Scheme 2023. Collection method: clinical testing. Allele origin: germline.

NM_000455.5(STK11):c.1215G>A (p.Arg405=)

Gene: STK11 (serine/threonine kinase 11; plus strand). Cytogenetic location: 19p13.3.
Variant type: single nucleotide variant.
Coding change: c.1215G>A on transcript NM_000455.5 (MANE Select); coding-DNA position 1215, G replaced by A.
Protein change: p.Arg405=; no amino-acid change (arginine 405 retained).
Molecular consequence: synonymous variant.
Genome position (GRCh38, 1-based): chr19:1,226,560, G>A. VCF-style: chr19-1226560-G-A. GRCh37 (hg19) VCF-style: chr19-1226559-G-A.
Other names: c.1215G>A (NM_000455.4).
Identifiers: ClinVar variation 1153863 (VCV001153863.11), dbSNP rs781303270, ClinGen allele CA045991.
Genomic context (GRCh38, chr19:1,226,560, plus strand): 5'-CCTCCCCAAGGCCGTGTGTATGAACGGCACAGAGGCGGCGCAGCTGAGCACCAAATCCAG[G>A]GCGGAGGGCCGGGCCCCCAACCCTGCCCGCAAGGCCTGCTCCGCCAGCAGCAAGATCCGC-3'
Protein context (NP_000446.1, residues 395-415): TEAAQLSTKS[Arg405=]AEGRAPNPAR